The following is an entry in ClinVar:

NM_018714.3(COG1):c.2116G>C (p.Ala706Pro)

Gene: COG1 (component of oligomeric golgi complex 1; plus strand). Cytogenetic location: 17q25.1.
Variant type: single nucleotide variant.
Coding change: c.2116G>C on transcript NM_018714.3 (MANE Select); coding-DNA position 2116, G replaced by C.
Protein change: p.Ala706Pro; replaces alanine 706 with proline.
Molecular consequence: missense variant.
Genome position (GRCh38, 1-based): chr17:73,203,042, G>C. VCF-style: chr17-73203042-G-C. GRCh37 (hg19) VCF-style: chr17-71199181-G-C.
Other names: short protein forms A706P.
Identifiers: ClinVar variation 1985477 (VCV001985477.1), dbSNP rs1568297499, ClinGen allele CA400895097.

ClinVar aggregate classification (germline): Uncertain significance (1 of 4 stars; one submission).

Conditions:
COG1 congenital disorder of glycosylation (CDG2G). Also called: CONGENITAL DISORDER OF GLYCOSYLATION, TYPE IIg; CDG IIg; CDGII/COG1 CEREBROCOSTOMANDIBULAR-LIKE SYNDROME. Identifiers: Orphanet 263508, MedGen C2931011, MONDO:0012637, OMIM 611209.

gnomAD v4.1: 2 of 1,614,142 alleles (0.00012%); highest among the groups gnomAD compares: Non-Finnish European, 0.00017%; no homozygotes.

Submission:

Labcorp Genetics (formerly Invitae), Labcorp
Classification: Uncertain significance for COG1 congenital disorder of glycosylation. Last evaluated: 2022-08-19. Review status: criteria provided, single submitter. Criteria: Invitae Variant Classification Sherloc (09022015). Collection method: clinical testing. Allele origin: germline.
Comment: This sequence change replaces alanine, which is neutral and non-polar, with proline, which is neutral and non-polar, at codon 706 of the COG1 protein (p.Ala706Pro). This variant is not present in population databases (gnomAD no frequency). This variant has not been reported in the literature in individuals affected with COG1-related conditions. Algorithms developed to predict the effect of missense changes on protein structure and function (SIFT, PolyPhen-2, Align-GVGD) all suggest that this variant is likely to be tolerated. In summary, the available evidence is currently insufficient to determine the role of this variant in disease. Therefore, it has been classified as a Variant of Uncertain Significance.